The following is an entry in ClinVar:

ClinVar aggregate classification (germline): Benign. Review status: criteria provided, multiple submitters, no conflicts (2 of 4 stars). 7 submissions from 7 submitters: Benign (7). Last evaluated 2025-04-07.

Conditions:
Spinocerebellar ataxia type 14 (SCA14). Identifiers: Orphanet 98763, MedGen C1854369, MONDO:0011540, OMIM 605361.

Allele frequency attached by ClinVar (database versions not stated): gnomAD exomes 0.01018 and 0.01263; ExAC 0.01314; 1000 Genomes Project 0.01717; 1000 Genomes Project 30x 0.01858; gnomAD 0.02123 and 0.02248; ESP Exome Variant Server 0.02353; TOPMed 0.02489.
gnomAD v4.1: 18,307 of 1,614,158 alleles (1.1%); highest among the groups gnomAD compares: Middle Eastern, 5.5%; 223 homozygotes.

Submissions (7):

Athena Diagnostics
Classification: Benign. Last evaluated: 2025-04-07. Review status: criteria provided, single submitter. Criteria: Athena Diagnostics Criteria. Collection method: clinical testing. Allele origin: unknown.
Comment: The frequency of this variant in the general population is higher than would generally be expected for pathogenic variants in this gene.

Mayo Clinic Laboratories, Mayo Clinic
Classification: Benign. Last evaluated: 2022-03-23. Review status: criteria provided, single submitter. Criteria: ACMG Guidelines, 2015. Collection method: clinical testing. Allele origin: germline. Observed: 39 variant alleles.

GeneDx
Classification: Benign. Last evaluated: 2021-05-05. Review status: criteria provided, single submitter. Criteria: GeneDx Variant Classification (06012015). Collection method: clinical testing. Allele origin: germline. Affected: yes.

Illumina Laboratory Services, Illumina
Classification: Benign for Spinocerebellar ataxia type 14. Last evaluated: 2018-01-12. Review status: criteria provided, single submitter. Criteria: ICSL Variant Classification Criteria 13 December 2019. Collection method: clinical testing. Allele origin: germline.
Comment: This variant was observed in the ICSL laboratory as part of a predisposition screen in an ostensibly healthy population. It had not been previously curated by ICSL or reported in the Human Gene Mutation Database (HGMD: prior to June 1st, 2018), and was therefore a candidate for classification through an automated scoring system. Utilizing variant allele frequency, disease prevalence and penetrance estimates, and inheritance mode, an automated score was calculated to assess if this variant is too frequent to cause the disease. Based on the score and internal cut-off values, a variant classified as benign is not then subjected to further curation. The score for this variant resulted in a classification of benign for this disease.

Clinical Genetics DNA and cytogenetics Diagnostics Lab, Erasmus MC, Erasmus Medical Center
Classification: Benign for Spinocerebellar ataxia type 14. Last evaluated: 2017-06-28. Review status: criteria provided, single submitter. Criteria: ACGS Guidelines, 2013. Collection method: clinical testing. Allele origin: germline. Affected: yes. Study: VKGL Data-share Consensus.

Genome Diagnostics Laboratory, University Medical Center Utrecht
Classification: Benign for Spinocerebellar ataxia type 14. Last evaluated: 2014-10-10. Review status: criteria provided, single submitter. Criteria: ACGS Guidelines, 2013. Collection method: clinical testing. Allele origin: germline. Affected: yes. Study: VKGL Data-share Consensus.

Breakthrough Genomics
Classification: Benign. Review status: criteria provided, single submitter. Criteria: ACMG Guidelines, 2015. Collection method: not provided. Allele origin: germline. Inheritance: Autosomal dominant inheritance. Affected: yes.

NM_002739.5(PRKCG):c.1404C>G (p.Leu468=)

Gene: PRKCG (protein kinase C gamma; plus strand). Cytogenetic location: 19q13.42.
Variant type: single nucleotide variant.
Coding change: c.1404C>G on transcript NM_002739.5 (MANE Select); coding-DNA position 1404, C replaced by G.
Protein change: p.Leu468=; no amino-acid change (leucine 468 retained).
Molecular consequence: synonymous variant.
Genome position (GRCh38, 1-based): chr19:53,900,449, C>G. VCF-style: chr19-53900449-C-G. GRCh37 (hg19) VCF-style: chr19-54403703-C-G.
Other names: p.Leu468=; c.1404C>G, p.Leu468= (NM_001316329.2); c.1404C>G (LRG_669t1).
Identifiers: ClinVar variation 330065 (VCV000330065.11), dbSNP rs35079513, ClinGen allele CA9640604.
Genomic context (GRCh38, chr19:53,900,449, plus strand): 5'-TCTGACGTCCCCACCCACCCCGTCCTCCAGGTTCTACGCGGCAGAAATCGCTATCGGCCT[C>G]TTCTTCCTTCACAATCAGGGCATCATCTACAGGTGAGCAGCCCCAGGAATTTCCGTGGAG-3'
Protein context (NP_002730.1, residues 458-478): AFYAAEIAIG[Leu468=]FFLHNQGIIY